The following is an entry in ClinVar:

ClinVar aggregate classification (germline): Benign. Review status: criteria provided, multiple submitters, no conflicts (2 of 4 stars). 2 submissions from 2 submitters: Benign (2). Last evaluated 2018-01-13.

Conditions:
Charcot-Marie-Tooth disease type 4B2. Also called: Charcot-Marie-Tooth Neuropathy Type 4B2; CHARCOT-MARIE-TOOTH DISEASE, WITH FOCALLY FOLDED MYELIN SHEATHS, AUTOSOMAL RECESSIVE, TYPE 4B2; CMT 4B2; CHARCOT-MARIE-TOOTH DISEASE, DEMYELINATING, TYPE 4B2. Identifiers: Orphanet 99956, MedGen C1858278, MONDO:0011475, OMIM 604563.

Allele frequency attached by ClinVar (database versions not stated): gnomAD exomes 0.02113; gnomAD 0.04377 and 0.04623; TOPMed 0.05449; 1000 Genomes Project 30x 0.11711; 1000 Genomes Project 0.11961.
gnomAD v4.1: 7,006 of 152,750 alleles (4.6%); highest among the groups gnomAD compares: East Asian, 32%; 501 homozygotes.

Submissions (2):

Illumina Laboratory Services, Illumina
Classification: Benign for Charcot-Marie-Tooth disease type 4B2. Last evaluated: 2018-01-13. Review status: criteria provided, single submitter. Criteria: ICSL Variant Classification Criteria 13 December 2019. Collection method: clinical testing. Allele origin: germline.
Comment: This variant was observed in the ICSL laboratory as part of a predisposition screen in an ostensibly healthy population. It had not been previously curated by ICSL or reported in the Human Gene Mutation Database (HGMD: prior to June 1st, 2018), and was therefore a candidate for classification through an automated scoring system. Utilizing variant allele frequency, disease prevalence and penetrance estimates, and inheritance mode, an automated score was calculated to assess if this variant is too frequent to cause the disease. Based on the score and internal cut-off values, a variant classified as benign is not then subjected to further curation. The score for this variant resulted in a classification of benign for this disease.

Breakthrough Genomics
Classification: Benign. Review status: criteria provided, single submitter. Criteria: ACMG Guidelines, 2015. Collection method: not provided. Allele origin: germline. Inheritance: Autosomal recessive inheritance. Affected: yes.

NM_030962.4(SBF2):c.*1144A>G

Genes: SBF2 (SET binding factor 2; minus strand), SBF2-AS1 (SBF2 antisense RNA 1; plus strand). Cytogenetic location: 11p15.4.
Variant type: single nucleotide variant.
Coding change: c.*1144A>G on transcript NM_030962.4 (MANE Select); 1144 bases downstream of the stop codon, A replaced by G.
Molecular consequence: 3 prime UTR variant.
Genome position (GRCh38, 1-based): chr11:9,779,274, T>C on the plus strand (A>G on the coding strand, the complement: SBF2 is on the minus strand). VCF-style: chr11-9779274-T-C. GRCh37 (hg19) VCF-style: chr11-9800821-T-C.
Other names: c.*1144A>G (NM_001386339.1, NM_001386342.1).
Identifiers: ClinVar variation 306559 (VCV000306559.6), dbSNP rs3751001, ClinGen allele CA10635961.